The following is an entry in ClinVar:

ClinVar aggregate classification (germline): Uncertain significance (1 of 4 stars; one submission).

Conditions:
Hereditary cancer-predisposing syndrome. Also called: Neoplastic Syndromes, Hereditary; Hereditary Cancer Syndrome; Hereditary neoplastic syndrome; Tumor predisposition. Identifiers: Orphanet 140162, MedGen C0027672, MeSH D009386, MONDO:0015356.

Submission:

Ambry Genetics
Classification: Uncertain significance for Hereditary cancer-predisposing syndrome. Last evaluated: 2023-04-16. Review status: criteria provided, single submitter. Criteria: Ambry Variant Classification Scheme 2023. Collection method: clinical testing. Allele origin: germline.
Comment: The p.V293L variant (also known as c.877G>C), located in coding exon 6 of the NTHL1 gene, results from a G to C substitution at nucleotide position 877. The valine at codon 293 is replaced by leucine, an amino acid with highly similar properties. This amino acid position is conserved. In addition, this alteration is predicted to be tolerated by in silico analysis. Since supporting evidence is limited at this time, the clinical significance of this alteration remains unclear.

NM_002528.7(NTHL1):c.853G>C (p.Val285Leu)

Gene: NTHL1 (nth like DNA glycosylase 1; minus strand). Cytogenetic location: 16p13.3.
Variant type: single nucleotide variant.
Coding change: c.853G>C on transcript NM_002528.7 (MANE Select); coding-DNA position 853, G replaced by C.
Protein change: p.Val285Leu; replaces valine 285 with leucine.
Molecular consequence: missense variant.
Genome position (GRCh38, 1-based): chr16:2,039,986, C>G on the plus strand (G>C on the coding strand, the complement: NTHL1 is on the minus strand). VCF-style: chr16-2039986-C-G. GRCh37 (hg19) VCF-style: chr16-2089987-C-G.
Other names: c.682G>C, p.Val228Leu (NM_001318193.2); c.523G>C, p.Val175Leu (NM_001318194.2); short protein forms V228L, V175L, V285L.
Identifiers: ClinVar variation 2565695 (VCV002565695.2), dbSNP rs2084237234, ClinGen allele CA394287216.
Genomic context (GRCh38, chr16:2,039,986, plus strand): 5'-AGAGACCCTGGGCGGCCGGGCAGAGGGCTTGGTTGAGGCAGGCGTGGCAGCGAGGGTGCA[C>G]AGGCAGACAGGTCTGCTGGCCGAAGCCCACCAAGAGTCCATTGATCTCGTGCCACAGCTC-3'
Protein context (NP_002519.2, residues 275-295): VGFGQQTCLP[Val285Leu]HPRCHACLNQ